The following is an entry in ClinVar:

ClinVar aggregate classification (germline): Uncertain significance. Review status: criteria provided, multiple submitters, no conflicts (2 of 4 stars). 2 submissions from 2 submitters: Uncertain significance (2). Last evaluated 2025-09-05.

Conditions:
Neuronopathy, distal hereditary motor, autosomal recessive 4. Also called: NEUROPATHY, DISTAL HEREDITARY MOTOR, AUTOSOMAL RECESSIVE 4; Autosomal recessive lower motor neuron disease with childhood onset. Identifiers: Orphanet 206580, MedGen C1970211, MONDO:0012608, OMIM 611067.
Charcot-Marie-Tooth disease recessive intermediate C. Also called: CHARCOT-MARIE-TOOTH NEUROPATHY, RECESSIVE INTERMEDIATE C. Identifiers: Orphanet 369867, MedGen C3809309, MONDO:0014154, OMIM 615376.

gnomAD v4.1: 1 of 1,613,930 alleles (0.000062%); highest among the groups gnomAD compares: Non-Finnish European, 0.000085%; no homozygotes.

Submissions (2):

Women's Health and Genetics/Laboratory Corporation of America, LabCorp
Classification: Uncertain significance. Last evaluated: 2025-09-05. Review status: criteria provided, single submitter. Criteria: LabCorp Variant Classification Summary - May 2015. Collection method: clinical testing. Allele origin: germline.
Comment: Variant summary: PLEKHG5 c.845T>A (p.Leu282His) results in a non-conservative amino acid change in the encoded protein sequence. Algorithms developed to predict the effect of missense changes on protein structure and function are either unavailable or do not agree on the potential impact of this missense change. The variant was absent in 250410 control chromosomes. The available data on variant occurrences in the general population are insufficient to allow any conclusion about variant significance. To our knowledge, no occurrence of c.845T>A in individuals affected with PLEKHG5-related conditions and no experimental evidence demonstrating its impact on protein function have been reported. ClinVar contains an entry for this variant (Variation ID: 1059773). Based on the evidence outlined above, the variant was classified as uncertain significance.

Labcorp Genetics (formerly Invitae), Labcorp
Classification: Uncertain significance for Neuronopathy, distal hereditary motor, autosomal recessive 4; Charcot-Marie-Tooth disease recessive intermediate C. Last evaluated: 2020-09-17. Review status: criteria provided, single submitter. Criteria: Invitae Variant Classification Sherloc (09022015). Collection method: clinical testing. Allele origin: germline.
Comment: In summary, the available evidence is currently insufficient to determine the role of this variant in disease. Therefore, it has been classified as a Variant of Uncertain Significance. Algorithms developed to predict the effect of missense changes on protein structure and function are either unavailable or do not agree on the potential impact of this missense change (SIFT: "Deleterious"; PolyPhen-2: "Possibly Damaging"; Align-GVGD: "Class C0"). This variant has not been reported in the literature in individuals with PLEKHG5-related conditions. This variant is not present in population databases (ExAC no frequency). This sequence change replaces leucine with histidine at codon 282 of the PLEKHG5 protein (p.Leu282His). The leucine residue is moderately conserved and there is a moderate physicochemical difference between leucine and histidine.

NM_020631.6(PLEKHG5):c.845T>A (p.Leu282His)

Gene: PLEKHG5 (pleckstrin homology and RhoGEF domain containing G5; minus strand). Cytogenetic location: 1p36.31.
Variant type: single nucleotide variant.
Coding change: c.845T>A on transcript NM_020631.6 (MANE Select); coding-DNA position 845, T replaced by A.
Protein change: p.Leu282His; replaces leucine 282 with histidine.
Molecular consequence: missense variant.
Genome position (GRCh38, 1-based): chr1:6,473,125, A>T on the plus strand (T>A on the coding strand, the complement: PLEKHG5 is on the minus strand). VCF-style: chr1-6473125-A-T. GRCh37 (hg19) VCF-style: chr1-6533185-A-T.
Other names: c.956T>A, p.Leu319His (NM_001042663.3, NM_001265592.2); c.845T>A, p.Leu282His (NM_001042664.2, NM_001042665.2, NM_001265594.3 and 1 more transcripts); c.1052T>A, p.Leu351His (NM_001265593.2); short protein forms L282H, L319H, L351H.
Identifiers: ClinVar variation 1059773 (VCV001059773.10), dbSNP rs2148588292, ClinGen allele CA338134880.